The following is an entry in ClinVar:

ClinVar aggregate classification (germline): Uncertain significance. Review status: criteria provided, multiple submitters, no conflicts (2 of 4 stars). 6 submissions from 6 submitters: Uncertain significance (6). Last evaluated 2024-05-11.

Conditions:
Hereditary cancer-predisposing syndrome. Also called: Neoplastic Syndromes, Hereditary; Tumor predisposition; Hereditary Cancer Syndrome; Hereditary neoplastic syndrome. Identifiers: Orphanet 140162, MedGen C0027672, MeSH D009386, MONDO:0015356.
Classic or attenuated familial adenomatous polyposis. Identifiers: MedGen CN372698, MONDO:0021057.
Familial adenomatous polyposis 1 (FAP1). Also called: FAMILIAL ADENOMATOUS POLYPOSIS 1, ATTENUATED; POLYPOSIS, ADENOMATOUS INTESTINAL. Identifiers: MedGen C2713442, MONDO:0021056, OMIM 175100. Disease mechanism: loss of function.

Allele frequency attached by ClinVar (database versions not stated): gnomAD exomes below 0.00001.
gnomAD v4.1: 6 of 1,613,556 alleles (0.00037%); highest among the groups gnomAD compares: Admixed American, 0.0017%; no homozygotes.

Submissions (6):

Labcorp Genetics (formerly Invitae), Labcorp
Classification: Uncertain significance for Familial adenomatous polyposis 1. Last evaluated: 2024-05-11. Review status: criteria provided, single submitter. Criteria: Invitae Variant Classification Sherloc (09022015). Collection method: clinical testing. Allele origin: germline.
Comment: This sequence change replaces glycine, which is neutral and non-polar, with arginine, which is basic and polar, at codon 487 of the APC protein (p.Gly487Arg). This variant is not present in population databases (gnomAD no frequency). This variant has not been reported in the literature in individuals affected with APC-related conditions. ClinVar contains an entry for this variant (Variation ID: 482429). Advanced modeling of protein sequence and biophysical properties (such as structural, functional, and spatial information, amino acid conservation, physicochemical variation, residue mobility, and thermodynamic stability) performed at Invitae indicates that this missense variant is not expected to disrupt APC protein function with a negative predictive value of 95%. In summary, the available evidence is currently insufficient to determine the role of this variant in disease. Therefore, it has been classified as a Variant of Uncertain Significance.

Ambry Genetics
Classification: Uncertain significance for Hereditary cancer-predisposing syndrome. Last evaluated: 2024-02-22. Review status: criteria provided, single submitter. Criteria: Ambry Variant Classification Scheme 2023. Collection method: clinical testing. Allele origin: germline.
Comment: The p.G487R variant (also known as c.1459G>A), located in coding exon 11 of the APC gene, results from a G to A substitution at nucleotide position 1459. The glycine at codon 487 is replaced by arginine, an amino acid with dissimilar properties. This amino acid position is highly conserved in available vertebrate species. In addition, in silico predictors for this gene do not accurately predict pathogenicity. Since supporting evidence is limited at this time, the clinical significance of this alteration remains unclear.

All of Us Research Program, National Institutes of Health
Classification: Uncertain significance for Classic or attenuated familial adenomatous polyposis. Last evaluated: 2023-11-20. Review status: criteria provided, single submitter. Criteria: ACMG Guidelines, 2015. Collection method: clinical testing. Allele origin: germline. Inheritance: Autosomal dominant inheritance. Observed: 2 variant alleles, 2 heterozygotes.
Comment: This missense variant replaces glycine with arginine at codon 487 of the APC protein. Computational prediction is inconclusive regarding the impact of this variant on protein structure and function (internally defined REVEL score threshold 0.5 < inconclusive < 0.7, PMID: 27666373). To our knowledge, functional studies have not been reported for this variant. This variant has not been reported in individuals affected with APC-related disorders in the literature. This variant has not been identified in the general population by the Genome Aggregation Database (gnomAD). The available evidence is insufficient to determine the role of this variant in disease conclusively. Therefore, this variant is classified as a Variant of Uncertain Significance.

This study involves interpretation of variants in research participants for the purpose of population health screening. Participant phenotype was not available at the time of variant classification. Additional details can be found in publication PMID: 35346344, PMCID: PMC8962531

Baylor Genetics
Classification: Uncertain significance for Familial adenomatous polyposis 1. Last evaluated: 2023-08-03. Review status: criteria provided, single submitter. Criteria: ACMG Guidelines, 2015. Collection method: clinical testing. Allele origin: unknown.

Sema4
Classification: Uncertain significance for Hereditary cancer-predisposing syndrome. Last evaluated: 2021-06-14. Review status: criteria provided, single submitter. Criteria: Sema4 Curation Guidelines. Collection method: curation. Allele origin: germline.
Comment: The APC c.1459G>A (p.G487R) variant has not been reported in the literature to our knowledge. It was not observed in the large and broad cohorts of the Genome Aggregation Database (PMID: 32461654). This variant has been reported in ClinVar (Variation ID: 482429). Functional studies have not been performed, and in silico predictions of the variant's effect on protein function are inconclusive. The evidence is insufficient to meet ACMG/AMP criteria for classifying the variant as benign or pathogenic. Thus, the clinical significance of this variant is currently uncertain.

GeneDx
Classification: Uncertain significance. Last evaluated: 2019-06-25. Review status: criteria provided, single submitter. Criteria: GeneDx Variant Classification Process June 2021. Collection method: clinical testing. Allele origin: germline. Affected: yes.
Comment: Not observed in large population cohorts (Lek et al., 2016); In silico analysis, which includes protein predictors and evolutionary conservation, supports that this variant does not alter protein structure/function; This variant is associated with the following publications: (PMID: 23239622)

NM_000038.6(APC):c.1459G>A (p.Gly487Arg)

Gene: APC (APC regulator of Wnt signaling pathway; plus strand). Cytogenetic location: 5q22.2.
Variant type: single nucleotide variant.
Coding change: c.1459G>A on transcript NM_000038.6 (MANE Select); coding-DNA position 1459, G replaced by A.
Protein change: p.Gly487Arg; replaces glycine 487 with arginine.
Molecular consequence: missense variant.
Genome position (GRCh38, 1-based): chr5:112,827,158, G>A. VCF-style: chr5-112827158-G-A. GRCh37 (hg19) VCF-style: chr5-112162855-G-A.
Other names: c.1459G>A, p.Gly487Arg (NM_001127510.3, NM_001354895.2); c.1405G>A, p.Gly469Arg (NM_001127511.3); c.1513G>A, p.Gly505Arg (NM_001354896.2); c.1489G>A, p.Gly497Arg (NM_001354897.2); c.1384G>A, p.Gly462Arg (NM_001354898.2); c.1375G>A, p.Gly459Arg (NM_001354899.2); c.1336G>A, p.Gly446Arg (NM_001354900.2); c.1282G>A, p.Gly428Arg (NM_001354901.2); and 5 more; short protein forms G487R, G469R, G327R, G428R, G204R, G361R, G386R, G459R.
Identifiers: ClinVar variation 482429 (VCV000482429.13), dbSNP rs1554081680, ClinGen allele CA16024501.